The following is an entry in ClinVar:

ClinVar aggregate classification (germline): Uncertain significance (1 of 4 stars; one submission).

Conditions:
3-methylglutaconic aciduria with deafness, encephalopathy, and Leigh-like syndrome (MEGDEL). Also called: 3-METHYLGLUTACONIC ACIDURIA, TYPE VI; SERAC1 Deficiency; MEGDEL syndrome. Identifiers: Orphanet 352328, MedGen C4040739, MONDO:0013875, OMIM 614739.

gnomAD v4.1: 1 of 1,609,906 alleles (0.000062%); no homozygotes.

Submission:

Labcorp Genetics (formerly Invitae), Labcorp
Classification: Uncertain significance for 3-methylglutaconic aciduria with deafness, encephalopathy, and Leigh-like syndrome. Last evaluated: 2022-04-13. Review status: criteria provided, single submitter. Criteria: Invitae Variant Classification Sherloc (09022015). Collection method: clinical testing. Allele origin: germline.
Comment: This sequence change replaces leucine, which is neutral and non-polar, with arginine, which is basic and polar, at codon 502 of the SERAC1 protein (p.Leu502Arg). In summary, the available evidence is currently insufficient to determine the role of this variant in disease. Therefore, it has been classified as a Variant of Uncertain Significance. Algorithms developed to predict the effect of missense changes on protein structure and function (SIFT, PolyPhen-2, Align-GVGD) all suggest that this variant is likely to be disruptive. This variant has not been reported in the literature in individuals affected with SERAC1-related conditions. This variant is not present in population databases (gnomAD no frequency).

NM_032861.4(SERAC1):c.1505T>G (p.Leu502Arg)

Gene: SERAC1 (serine active site containing 1; minus strand). Cytogenetic location: 6q25.3.
Variant type: single nucleotide variant.
Coding change: c.1505T>G on transcript NM_032861.4 (MANE Select); coding-DNA position 1505, T replaced by G.
Protein change: p.Leu502Arg; replaces leucine 502 with arginine.
Molecular consequence: missense variant. On other transcripts: non-coding transcript variant (1).
Genome position (GRCh38, 1-based): chr6:158,114,968, A>C on the plus strand (T>G on the coding strand, the complement: SERAC1 is on the minus strand). VCF-style: chr6-158114968-A-C. GRCh37 (hg19) VCF-style: chr6-158536000-A-C.
Other names: short protein forms L502R.
Identifiers: ClinVar variation 1367011 (VCV001367011.6), dbSNP rs2128410682, ClinGen allele CA366255297.